The following is an entry in ClinVar:

ClinVar aggregate classification (germline): Uncertain significance (1 of 4 stars; one submission).

Conditions:
Meier-Gorlin syndrome 7. Identifiers: Orphanet 2554, MedGen C4310738, MONDO:0014894, OMIM 617063. Disease mechanism: loss of function.

Allele frequency attached by ClinVar (database versions not stated): gnomAD exomes below 0.00001; TOPMed below 0.00001 and 0.00001; ESP Exome Variant Server 0.00008.
gnomAD v4.1: 6 of 1,614,044 alleles (0.00037%); highest among the groups gnomAD compares: Non-Finnish European, 0.00051%; no homozygotes.

Submission:

SIB Swiss Institute of Bioinformatics
Classification: Uncertain significance for Meier-Gorlin syndrome 7. Last evaluated: 2018-10-15. Review status: criteria provided, single submitter. Criteria: ACMG Guidelines, 2015. Collection method: curation. Allele origin: unknown.
Comment: This variant is interpreted as Uncertain Significance - Insufficient Evidence, for Meier-Gorlin syndrome 7, autosomal recessive. The following ACMG Tag(s) were applied: PM2 => Absent from controls (or at extremely low frequency if recessive) in Exome Sequencing Project, 1000 Genomes Project, or Exome Aggregation Consortium. PP3 => Multiple lines of computational evidence support a deleterious effect on the gene or gene product.

NM_003504.5(CDC45):c.791C>A (p.Ser264Tyr)

Gene: CDC45 (cell division cycle 45; plus strand). Cytogenetic location: 22q11.21.
Variant type: single nucleotide variant.
Coding change: c.791C>A on transcript NM_003504.5 (MANE Select); coding-DNA position 791, C replaced by A.
Protein change: p.Ser264Tyr; replaces serine 264 with tyrosine.
Molecular consequence: missense variant. On other transcripts: non-coding transcript variant (1).
Genome position (GRCh38, 1-based): chr22:19,505,448, C>A. VCF-style: chr22-19505448-C-A. GRCh37 (hg19) VCF-style: chr22-19492971-C-A.
Other names: c.887C>A, p.Ser296Tyr (NM_001178010.2); c.653C>A, p.Ser218Tyr (NM_001178011.2); c.755C>A, p.Ser252Tyr (NM_001369291.1); short protein forms S296Y, S218Y, S252Y, S264Y.
Identifiers: ClinVar variation 617920 (VCV000617920.1), dbSNP rs151279621, ClinGen allele CA322059698.